The following is an entry in ClinVar:

NM_001903.5(CTNNA1):c.2442C>T (p.Ser814=)

Gene: CTNNA1 (catenin alpha 1; plus strand). Cytogenetic location: 5q31.2.
Variant type: single nucleotide variant.
Coding change: c.2442C>T on transcript NM_001903.5 (MANE Select); coding-DNA position 2442, C replaced by T.
Protein change: p.Ser814=; no amino-acid change (serine 814 retained).
Molecular consequence: synonymous variant. On other transcripts: missense variant (5), intron variant (1).
Genome position (GRCh38, 1-based): chr5:138,933,810, C>T. VCF-style: chr5-138933810-C-T. GRCh37 (hg19) VCF-style: chr5-138269499-C-T.
Other names: c.2513C>T, p.Ala838Val (NM_001290307.3); c.2133C>T, p.Ser711= (NM_001290309.3); c.2073C>T, p.Ser691= (NM_001290310.3); c.1332C>T, p.Ser444= (NM_001290312.1, NM_001323987.1, NM_001323988.1 and 12 more transcripts); c.2442C>T, p.Ser814= (NM_001323982.2, NM_001323983.1, NM_001323984.2); c.2349C>T, p.Ser783= (NM_001323986.2); c.1197C>T, p.Ser399= (NM_001324001.1); c.1403C>T, p.Ala468Val (NM_001324002.1, NM_001324003.1, NM_001324004.1 and 1 more transcripts); and 4 more; short protein forms A468V, A838V.
Identifiers: ClinVar variation 702921 (VCV000702921.17), dbSNP rs143248909, ClinGen allele CA3432246.
Genomic context (GRCh38, chr5:138,933,810, plus strand): 5'-ACGAGGCTGGAGGTCAGGCCGGTGCTTCTTACCACCCCTGTCTGCCTCGTAGGTGGACAG[C>T]GCCATGTCCCTGATCCAGGCAGCCAAGAACTTGATGAATGCTGTGGTGCAGACAGTGAAG-3'
Protein context (NP_001894.2, residues 804-824): GGELVVSGVD[Ser814=]AMSLIQAAKN

ClinVar aggregate classification (germline): Benign/Likely benign. Review status: criteria provided, multiple submitters, no conflicts (2 of 4 stars). 6 submissions from 6 submitters: Benign (1); Likely benign (5). Last evaluated 2026-01-11.

Conditions:
Patterned macular dystrophy 2. Identifiers: Orphanet 99001, MedGen C1837029, MONDO:0012162, OMIM 608970.
Hereditary diffuse gastric adenocarcinoma (HDGC). Also called: DIFFUSE GASTRIC AND LOBULAR BREAST CANCER SYNDROME. Identifiers: Orphanet 26106, MedGen C1708349, MONDO:0007648, OMIM 137215.
Hereditary cancer-predisposing syndrome. Also called: Neoplastic Syndromes, Hereditary; Hereditary neoplastic syndrome; Hereditary Cancer Syndrome; Tumor predisposition. Identifiers: Orphanet 140162, MedGen C0027672, MeSH D009386, MONDO:0015356.

Allele frequency attached by ClinVar (database versions not stated): gnomAD 0.00001; TOPMed 0.00002; gnomAD exomes 0.00003 and 0.00004; ExAC 0.00004; ESP Exome Variant Server 0.00008.
gnomAD v4.1: 40 of 1,612,886 alleles (0.0025%); highest among the groups gnomAD compares: South Asian, 0.0066%; no homozygotes.

Submissions (6):

Labcorp Genetics (formerly Invitae), Labcorp
Classification: Likely benign. Last evaluated: 2026-01-11. Review status: criteria provided, single submitter. Criteria: Invitae Variant Classification Sherloc (09022015). Collection method: clinical testing. Allele origin: germline.

Center for Genomic Medicine, Rigshospitalet, Copenhagen University Hospital
Classification: Likely benign. Last evaluated: 2025-03-04. Review status: criteria provided, single submitter. Criteria: ACMG Guidelines, 2015. Collection method: clinical testing. Allele origin: germline.

Blueprint Genetics
Classification: Likely benign. Last evaluated: 2024-11-13. Review status: criteria provided, single submitter. Criteria: ACMG Guidelines, 2015. Collection method: clinical testing. Allele origin: germline.

Myriad Genetics, Inc.
Classification: Benign for Hereditary diffuse gastric adenocarcinoma. Last evaluated: 2024-10-15. Review status: criteria provided, single submitter. Criteria: Myriad Autosomal Dominant, Autosomal Recessive and X-Linked Classification Criteria (2023). Collection method: clinical testing. Allele origin: unknown.
Comment: This variant is considered benign. This variant is a silent/synonymous amino acid change and it is not expected to impact splicing.

Fulgent Genetics
Classification: Likely benign for Patterned macular dystrophy 2. Last evaluated: 2022-05-16. Review status: criteria provided, single submitter. Criteria: ACMG Guidelines, 2015. Collection method: clinical testing. Allele origin: unknown.

Ambry Genetics
Classification: Likely benign for Hereditary cancer-predisposing syndrome. Last evaluated: 2019-10-16. Review status: criteria provided, single submitter. Criteria: Ambry Variant Classification Scheme 2023. Collection method: clinical testing. Allele origin: germline.